The following is an entry in ClinVar:

ClinVar aggregate classification (germline): Uncertain significance. Review status: criteria provided, multiple submitters, no conflicts (2 of 4 stars). 3 submissions from 3 submitters: Uncertain significance (3). Last evaluated 2025-12-25.

Conditions:
Emery-Dreifuss muscular dystrophy 4, autosomal dominant (EDMD4). Also called: EMERY-DREIFUSS MUSCULAR DYSTROPHY 4 WITH VARIABLE FEATURES. Identifiers: Orphanet 261, MedGen C2751807, MONDO:0013071, OMIM 612998.
Autosomal recessive ataxia, Beauce type. Also called: Spinocerebellar ataxia, autosomal recessive 8; ATAXIA, RECESSIVE, OF BEAUCE; SYNE1-Related Autosomal Recessive Cerebellar Ataxia; SYNE1 Deficiency. Identifiers: Orphanet 88644, MedGen C1853116, MONDO:0012549, OMIM 610743.

Allele frequency attached by ClinVar (database versions not stated): ExAC 0.00004; gnomAD exomes 0.00004; TOPMed 0.00006; ESP Exome Variant Server 0.00008; gnomAD 0.00009.
gnomAD v4.1: 72 of 1,614,072 alleles (0.0045%); highest among the groups gnomAD compares: Middle Eastern, 0.016%; no homozygotes.

Submissions (3):

Labcorp Genetics (formerly Invitae), Labcorp
Classification: Uncertain significance for Emery-Dreifuss muscular dystrophy 4, autosomal dominant; Autosomal recessive ataxia, Beauce type. Last evaluated: 2025-12-25. Review status: criteria provided, single submitter. Criteria: Invitae Variant Classification Sherloc (09022015). Collection method: clinical testing. Allele origin: germline.
Comment: This sequence change replaces threonine, which is neutral and polar, with methionine, which is neutral and non-polar, at codon 8314 of the SYNE1 protein (p.Thr8314Met). This variant is present in population databases (rs147814237, gnomAD 0.007%). This variant has not been reported in the literature in individuals affected with SYNE1-related conditions. ClinVar contains an entry for this variant (Variation ID: 538379). An algorithm developed to predict the effect of missense changes on protein structure and function (PolyPhen-2) suggests that this variant is likely to be disruptive. In summary, the available evidence is currently insufficient to determine the role of this variant in disease. Therefore, it has been classified as a Variant of Uncertain Significance.

Athena Diagnostics
Classification: Uncertain significance. Last evaluated: 2023-12-22. Review status: criteria provided, single submitter. Criteria: Athena Diagnostics Criteria. Collection method: clinical testing. Allele origin: unknown.
Comment: Available data are insufficient to determine the clinical significance of the variant at this time. The frequency of this variant in the general population is uninformative in assessment of its pathogenicity. Computational tools disagree on the variant's effect on normal protein function.

Blueprint Genetics
Classification: Uncertain significance. Last evaluated: 2022-09-12. Review status: criteria provided, single submitter. Criteria: ACMG Guidelines, 2015. Collection method: clinical testing. Allele origin: germline.

Literature cited by the submitters: PubMed 29420653 (cited by Athena Diagnostics).

NM_182961.4(SYNE1):c.25085C>T (p.Thr8362Met)

Gene: SYNE1 (spectrin repeat containing nuclear envelope protein 1; minus strand). Cytogenetic location: 6q25.2.
Variant type: single nucleotide variant.
Coding change: c.25085C>T on transcript NM_182961.4 (MANE Select); coding-DNA position 25085, C replaced by T.
Protein change: p.Thr8362Met; replaces threonine 8362 with methionine.
Molecular consequence: missense variant.
Genome position (GRCh38, 1-based): chr6:152,143,657, G>A on the plus strand (C>T on the coding strand, the complement: SYNE1 is on the minus strand). VCF-style: chr6-152143657-G-A. GRCh37 (hg19) VCF-style: chr6-152464792-G-A.
Other names: c.1691C>T, p.Thr564Met (NM_001347701.2); c.1619C>T, p.Thr540Met (NM_001347702.2); c.24941C>T, p.Thr8314Met (NM_033071.5); c.25085C>T (NM_182961.2); short protein forms T8362M, T8314M, T564M, T540M.
Identifiers: ClinVar variation 538379 (VCV000538379.11), dbSNP rs147814237, ClinGen allele CA4052959.